The following is an entry in ClinVar:

ClinVar aggregate classification (germline): Benign. Review status: criteria provided, multiple submitters, no conflicts (2 of 4 stars). 2 submissions from 2 submitters: Benign (2). Last evaluated 2018-06-13.

Allele frequency attached by ClinVar (database versions not stated): gnomAD exomes 0.01621 and 0.02249; ExAC 0.02362; ESP Exome Variant Server 0.03921; gnomAD 0.04048 and 0.04188; TOPMed 0.04386; 1000 Genomes Project 0.05072; 1000 Genomes Project 30x 0.05278.
gnomAD v4.1: 30,265 of 1,613,616 alleles (1.9%); highest among the groups gnomAD compares: African/African-American, 10%; 638 homozygotes.

Submissions (2):

GeneDx
Classification: Benign. Last evaluated: 2018-06-13. Review status: criteria provided, single submitter. Criteria: GeneDx Variant Classification (06012015). Collection method: clinical testing. Allele origin: germline. Affected: yes.
Comment: This variant is considered likely benign or benign based on one or more of the following criteria: it is a conservative change, it occurs at a poorly conserved position in the protein, it is predicted to be benign by multiple in silico algorithms, and/or has population frequency not consistent with disease.

Breakthrough Genomics
Classification: Benign. Review status: criteria provided, single submitter. Criteria: ACMG Guidelines, 2015. Collection method: not provided. Allele origin: germline. Inheritance: Autosomal dominant inheritance. Affected: yes.

NM_001614.5(ACTG1):c.802+33A>T

Gene: ACTG1 (actin gamma 1; minus strand). Cytogenetic location: 17q25.3.
Variant type: single nucleotide variant.
Coding change: c.802+33A>T on transcript NM_001614.5 (MANE Select); 33 bases into the intron after coding-DNA position 802, A replaced by T.
Molecular consequence: intron variant.
Genome position (GRCh38, 1-based): chr17:81,511,155, T>A on the plus strand (A>T on the coding strand, the complement: ACTG1 is on the minus strand). VCF-style: chr17-81511155-T-A. GRCh37 (hg19) VCF-style: chr17-79478181-T-A.
Other names: c.802+33A>T (NM_001199954.3).
Identifiers: ClinVar variation 561416 (VCV000561416.2), dbSNP rs80345231, ClinGen allele CA8835969.